The following is an entry in ClinVar:

ClinVar aggregate classification (germline): Likely pathogenic. Review status: reviewed by expert panel (3 of 4 stars). 3 submissions from 3 submitters: Likely pathogenic (1). 2 of the submissions do not count toward it. Last evaluated 2022-12-09.

Conditions:
Phenylketonuria (PKU). Also called: Phenylketonuria (PKU); FOLLING DISEASE; OLIGOPHRENIA PHENYLPYRUVICA; Phenylketonurias. Identifiers: Orphanet 716, MedGen C0031485, MONDO:0009861, OMIM 261600. Disease mechanism: loss of function.

Allele frequency attached by ClinVar (database versions not stated): gnomAD exomes below 0.00001; gnomAD 0.00001; TOPMed below 0.00001; ExAC 0.00001.
gnomAD v4.1: 1 of 1,613,636 alleles (0.000062%); highest among the groups gnomAD compares: Non-Finnish European, 0.000085%; no homozygotes.

Submissions (3):

ClinGen PAH Variant Curation Expert Panel
Classification: Likely pathogenic for Phenylketonuria. Last evaluated: 2022-12-09. Review status: reviewed by expert panel. Criteria: ClinGen PAH ACMG Specifications v1. Collection method: curation. Allele origin: germline. Inheritance: Autosomal recessive inheritance.
Comment: This variant is present in European (non-Finnish) populations at an extremely low frequency in gnomAD (MAF=0.00001), and ExAC (MAF=0.00002). This variant in the -2 splice acceptor site of intron 12, disrupts the reading frame and is not predicted to undergo nonsense mediated decay (NMD). The exon is present in biologically-relevant transcripts. In summary, this variant meets criteria to be classified as likely pathogenic for PAH. PAH-specific ACMG/AMP criteria applied: PVS1 strong, PM2, PP4.

Labcorp Genetics (formerly Invitae), Labcorp
Classification: Pathogenic for Phenylketonuria. Last evaluated: 2025-06-24. Review status: criteria provided, single submitter. Criteria: Invitae Variant Classification Sherloc (09022015). Collection method: clinical testing. Allele origin: germline. Not counted in ClinVar's aggregate classification.
Comment: This sequence change affects an acceptor splice site in intron 12 of the PAH gene. While this variant is not anticipated to result in nonsense mediated decay, it likely alters RNA splicing and results in a disrupted protein product. This variant is present in population databases (rs760830761, gnomAD 0.0009%). Disruption of this splice site has been observed in individual(s) with phenylketonuria (PMID: 26322415, 36380532; internal data). ClinVar contains an entry for this variant (Variation ID: 439226). Variants that disrupt the consensus splice site are a relatively common cause of aberrant splicing (PMID: 17576681, 9536098). Algorithms developed to predict the effect of sequence changes on RNA splicing suggest that this variant may disrupt the consensus splice site. For these reasons, this variant has been classified as Pathogenic.

Quest Diagnostics Nichols Institute San Juan Capistrano
Classification: Uncertain significance. Last evaluated: 2016-10-06. Review status: criteria provided, single submitter. Criteria: Quest Diagnostics criteria. Collection method: clinical testing. Allele origin: germline. Not counted in ClinVar's aggregate classification.

Literature cited by the submitters: PubMed 26322415 (cited by Labcorp Genetics (formerly Invitae), Labcorp and Quest Diagnostics Nichols Institute San Juan Capistrano); PubMed 36380532 (cited by Labcorp Genetics (formerly Invitae), Labcorp); PubMed 17576681 (cited by Labcorp Genetics (formerly Invitae), Labcorp); PubMed 9536098 (cited by Labcorp Genetics (formerly Invitae), Labcorp).

NM_000277.3(PAH):c.1316-2A>G

Gene: PAH (phenylalanine hydroxylase; minus strand). Cytogenetic location: 12q23.2.
Variant type: single nucleotide variant.
Coding change: c.1316-2A>G on transcript NM_000277.3 (MANE Select); the canonical splice acceptor site of the intron before coding-DNA position 1316, A replaced by G.
Molecular consequence: splice acceptor variant.
Genome position (GRCh38, 1-based): chr12:102,839,220, T>C on the plus strand (A>G on the coding strand, the complement: PAH is on the minus strand). VCF-style: chr12-102839220-T-C. GRCh37 (hg19) VCF-style: chr12-103232998-T-C.
Other names: c.1316-2A>G (NM_001354304.2).
Identifiers: ClinVar variation 439226 (VCV000439226.3), dbSNP rs760830761, ClinGen allele CA6748680.